The following is an entry in ClinVar:

ClinVar aggregate classification (germline): Uncertain significance (1 of 4 stars; one submission).

Submission:

Labcorp Genetics (formerly Invitae), Labcorp
Classification: Uncertain significance. Last evaluated: 2023-10-10. Review status: criteria provided, single submitter. Criteria: Invitae Variant Classification Sherloc (09022015). Collection method: clinical testing. Allele origin: germline.
Comment: This sequence change falls in intron 29 of the POLE gene. It does not directly change the encoded amino acid sequence of the POLE protein. It affects a nucleotide within the consensus splice site. This variant is not present in population databases (gnomAD no frequency). This variant has not been reported in the literature in individuals affected with POLE-related conditions. ClinVar contains an entry for this variant (Variation ID: 847896). Variants that disrupt the consensus splice site are a relatively common cause of aberrant splicing (PMID: 17576681, 9536098). RNA analysis performed to evaluate the impact of this variant on mRNA splicing indicates it does not significantly alter splicing (Invitae). In summary, the available evidence is currently insufficient to determine the role of this variant in disease. Therefore, it has been classified as a Variant of Uncertain Significance.

Literature cited by the submitters: PubMed 17576681; PubMed 9536098.

NM_006231.4(POLE):c.3582+6G>T

Gene: POLE (DNA polymerase epsilon, catalytic subunit; minus strand). Cytogenetic location: 12q24.33.
Variant type: single nucleotide variant.
Coding change: c.3582+6G>T on transcript NM_006231.4 (MANE Select); 6 bases into the intron after coding-DNA position 3582, G replaced by T.
Molecular consequence: intron variant.
Genome position (GRCh38, 1-based): chr12:132,657,130, C>A on the plus strand (G>T on the coding strand, the complement: POLE is on the minus strand). VCF-style: chr12-132657130-C-A. GRCh37 (hg19) VCF-style: chr12-133233716-C-A.
Identifiers: ClinVar variation 847896 (VCV000847896.9), dbSNP rs113307290, ClinGen allele CA916082375.
Genomic context (GRCh38, chr12:132,657,130, plus strand): 5'-AAGAAGCCTGGAGTCCTGTGTGTCACAAGGATCCCGCCCAGCCCAGCCTTGGGGCCCCAC[C>A]GTCACCTGTCTCCTGCCCTCCAGGGTGAAGAGCTCACTGATCTTCTTCTGCTTGTAGACA-3'